The following is an entry in ClinVar:

ClinVar aggregate classification (germline): Uncertain significance (1 of 4 stars; one submission).

Allele frequency attached by ClinVar (database versions not stated): TOPMed 0.00001.
gnomAD v4.1: 4 of 1,587,008 alleles (0.00025%); highest among the groups gnomAD compares: Non-Finnish European, 0.00034%; no homozygotes.

Submission:

Labcorp Genetics (formerly Invitae), Labcorp
Classification: Uncertain significance. Last evaluated: 2023-05-20. Review status: criteria provided, single submitter. Criteria: Invitae Variant Classification Sherloc (09022015). Collection method: clinical testing. Allele origin: germline.
Comment: This sequence change replaces aspartic acid, which is acidic and polar, with glutamic acid, which is acidic and polar, at codon 565 of the FBXO11 protein (p.Asp565Glu). This variant is present in population databases (no rsID available, gnomAD 0.0009%). This variant has not been reported in the literature in individuals affected with FBXO11-related conditions. An algorithm developed to predict the effect of missense changes on protein structure and function (PolyPhen-2) suggests that this variant is likely to be tolerated. In summary, the available evidence is currently insufficient to determine the role of this variant in disease. Therefore, it has been classified as a Variant of Uncertain Significance.

NM_001190274.2(FBXO11):c.1695C>G (p.Asp565Glu)

Gene: FBXO11 (F-box protein 11; minus strand). Cytogenetic location: 2p16.3.
Variant type: single nucleotide variant.
Coding change: c.1695C>G on transcript NM_001190274.2 (MANE Select); coding-DNA position 1695, C replaced by G.
Protein change: p.Asp565Glu; replaces aspartic acid 565 with glutamic acid.
Molecular consequence: missense variant.
Genome position (GRCh38, 1-based): chr2:47,822,225, G>C on the plus strand (C>G on the coding strand, the complement: FBXO11 is on the minus strand). VCF-style: chr2-47822225-G-C. GRCh37 (hg19) VCF-style: chr2-48049364-G-C.
Other names: c.1443C>G, p.Asp481Glu (NM_001374325.1, NM_025133.4); short protein forms D481E, D565E.
Identifiers: ClinVar variation 2866427 (VCV002866427.3), dbSNP rs1192832794, ClinGen allele CA346764446.